The following is an entry in ClinVar:

NM_000426.4(LAMA2):c.1929_1931delinsT (p.His644fs)

Gene: LAMA2 (laminin subunit alpha 2; plus strand). Cytogenetic location: 6q22.33.
Variant type: Indel.
Coding change: c.1929_1931delinsT on transcript NM_000426.4 (MANE Select); coding-DNA positions 1929 to 1931, GCA replaced by T.
Protein change: p.His644fs; shifts the reading frame from histidine 644.
Molecular consequence: frameshift variant.
Genome position (GRCh38, 1-based): chr6:129,252,128-129,252,130, GCA replaced by T. VCF-style: chr6-129252128-GCA-T. GRCh37 (hg19) VCF-style: chr6-129573273-GCA-T.
Other names: c.1929_1931delinsT, p.His644fs (NM_001079823.2); short protein forms H644fs.
Identifiers: ClinVar variation 1724194 (VCV001724194.3), dbSNP rs2482129645, ClinGen allele CA2580074903.
Genomic context (GRCh38, chr6:129,252,128, plus strand): 5'-TTTTTTCCCCCTTTAGGGTAATGACTTGAGCATCAGCACAGCCCAAGATGAGGTGTACCT[GCA>T]CCCATCTGAAGAACATACTAATGTATTGTTACTTAAAGAAGAATCATTTACCATACATGG-3'

ClinVar aggregate classification (germline): Likely pathogenic (1 of 4 stars; one submission).

Conditions:
LAMA2-related muscular dystrophy (LAMA2-RD). Also called: Laminin alpha 2-related dystrophy. Identifiers: MedGen C5679788, MONDO:0100228.

Submission:

Myriad Genetics, Inc.
Classification: Likely pathogenic for LAMA2-related muscular dystrophy. Last evaluated: 2022-02-01. Review status: criteria provided, single submitter. Criteria: Myriad Autosomal Dominant, Autosomal Recessive and X-Linked Classification Criteria (2023). Collection method: clinical testing. Allele origin: unknown.
Comment: NM_000426.3(LAMA2):c.1929_1931delGCAinsT(H644Pfs*3) is expected to be pathogenic in the context of muscular dystrophy, LAMA2-related. This variant is predicted to lead to an abnormal or absent protein product due to the creation of a premature termination codon in LAMA2, a gene where loss-of-function variants are known to be pathogenic. Please note: this variant was assessed in the context of healthy population screening.